The following is an entry in ClinVar:

NM_001386298.1(CIC):c.424C>T (p.Arg142Trp)

Gene: CIC (capicua transcriptional repressor; plus strand). Cytogenetic location: 19q13.2.
Variant type: single nucleotide variant.
Coding change: c.424C>T on transcript NM_001386298.1 (MANE Select); coding-DNA position 424, C replaced by T.
Protein change: p.Arg142Trp; replaces arginine 142 with tryptophan.
Molecular consequence: missense variant.
Genome position (GRCh38, 1-based): chr19:42,272,207, C>T. VCF-style: chr19-42272207-C-T. GRCh37 (hg19) VCF-style: chr19-42776359-C-T.
Other names: c.424C>T, p.Arg142Trp (NM_001304815.2, NM_001379480.1, NM_001379482.1 and 6 more transcripts); short protein forms R142W.
Identifiers: ClinVar variation 4977863 (VCV004977863.1).

ClinVar aggregate classification (germline): Uncertain significance (1 of 4 stars; one submission).

Conditions:
CIC-related disorder. Also called: CIC-related condition.

gnomAD v4.1: 33 of 398,764 alleles (0.0083%); highest among the groups gnomAD compares: Non-Finnish European, 0.01%; no homozygotes.

Submission:

PreventionGenetics, part of Exact Sciences
Classification: Uncertain significance for CIC-related condition. Last evaluated: 2025-10-07. Review status: criteria provided, single submitter. Criteria: ACMG Guidelines, 2015. Collection method: clinical testing. Allele origin: germline.
Comment: The CIC c.424C>T variant is predicted to result in the amino acid substitution p.Arg142Trp. To our knowledge, this variant has not been reported in the literature. This variant is reported in 0.013% of alleles in individuals of European (Non-Finnish) descent in gnomAD, which may be too common to be a primary cause of disease. Although we suspect that this variant may be benign, at this time, the clinical significance of this variant is uncertain due to the absence of conclusive functional and genetic evidence.